The following is an entry in ClinVar:

NC_000007.13:g.(?_124464016)_(124511105_?)dup

Gene: POT1 (protection of telomeres 1; minus strand). Cytogenetic location: 7q31.33.
Variant type: Duplication.
Identifiers: ClinVar variation 1439807 (VCV001439807.6).

ClinVar aggregate classification (germline): Uncertain significance (1 of 4 stars; one submission).

Conditions:
Tumor predisposition syndrome 3 (TPDS3). Also called: LONG TELOMERE SYNDROME, POT1-RELATED; POT1 Tumor Predisposition; Glioma susceptibility 9; Melanoma, cutaneous malignant, susceptibility to, 10. Identifiers: Orphanet 618, MedGen C4014476, MONDO:0014368, OMIM 615848.

Submission:

Labcorp Genetics (formerly Invitae), Labcorp
Classification: Uncertain significance for Tumor predisposition syndrome 3. Last evaluated: 2023-12-03. Review status: criteria provided, single submitter. Criteria: Invitae Variant Classification Sherloc (09022015). Collection method: clinical testing. Allele origin: germline.
Comment: This variant results in a copy number gain of the genomic region encompassing exon(s) 7-19 of the POT1 gene. This region includes the termination codon of the gene. This copy number gain extends beyond the assayed region for this gene and therefore may encompass additional genes. As the precise location of this event is unknown, it may be in tandem or it may be located elsewhere in the genome. This variant has not been reported in the literature in individuals affected with POT1-related conditions. Experimental studies and prediction algorithms are not available or were not evaluated, and the functional significance of this variant is currently unknown. In summary, the available evidence is currently insufficient to determine the role of this variant in disease. Therefore, it has been classified as a Variant of Uncertain Significance.